The following is an entry in ClinVar:

ClinVar aggregate classification (germline): Benign/Likely benign. Review status: criteria provided, multiple submitters, no conflicts (2 of 4 stars). 5 submissions from 5 submitters: Benign (3); Likely benign (2). Last evaluated 2026-02-01.

Conditions:
Anemia, congenital dyserythropoietic, type 1a (CDAN1A). Also called: CDAN1-Related Congenital Dyserythropoietic Anemia; DYSERYTHROPOIETIC ANEMIA, CONGENITAL, TYPE Ia. Identifiers: MedGen C5574667, MONDO:0009135, OMIM 224120.

Allele frequency attached by ClinVar (database versions not stated): ExAC 0.00019; gnomAD exomes 0.00019; 1000 Genomes Project 30x 0.00203; 1000 Genomes Project 0.00220; gnomAD 0.00325 and 0.00350; TOPMed 0.00365.
gnomAD v4.1: 866 of 1,485,620 alleles (0.058%); highest among the groups gnomAD compares: African/African-American, 1.1%; 2 homozygotes.

Submissions (5):

Labcorp Genetics (formerly Invitae), Labcorp
Classification: Benign. Last evaluated: 2026-02-01. Review status: criteria provided, single submitter. Criteria: Invitae Variant Classification Sherloc (09022015). Collection method: clinical testing. Allele origin: germline.

ARUP Laboratories, Molecular Genetics and Genomics, ARUP Laboratories
Classification: Benign for Anemia, congenital dyserythropoietic, type 1a. Last evaluated: 2024-10-02. Review status: criteria provided, single submitter. Criteria: ARUP Molecular Germline Variant Investigation Process 2024. Collection method: clinical testing. Allele origin: germline.

Blueprint Genetics
Classification: Likely benign. Last evaluated: 2024-08-21. Review status: criteria provided, single submitter. Criteria: ACMG Guidelines, 2015. Collection method: clinical testing. Allele origin: germline.

Mayo Clinic Laboratories, Mayo Clinic
Classification: Likely benign. Last evaluated: 2022-07-13. Review status: criteria provided, single submitter. Criteria: ACMG Guidelines, 2015. Collection method: clinical testing. Allele origin: germline. Observed: 7 variant alleles.
Comment: BS1, BP4, BP7

CeGaT Center for Human Genetics Tuebingen
Classification: Benign. Last evaluated: 2022-07-01. Review status: criteria provided, single submitter. Criteria: CeGaT Center For Human Genetics Tuebingen Variant Classification Criteria Version 2. Collection method: clinical testing. Allele origin: germline. Affected: yes. Observed: 1 variant allele.
Comment: CDAN1: BP4, BP7, BS1, BS2

NM_138477.4(CDAN1):c.309G>T (p.Pro103=)

Genes: CDAN1 (codanin 1; minus strand), LOC130056931 (ATAC-STARR-seq lymphoblastoid silent region 6376; plus strand). Cytogenetic location: 15q15.2.
Variant type: single nucleotide variant.
Coding change: c.309G>T on transcript NM_138477.4 (MANE Select); coding-DNA position 309, G replaced by T.
Protein change: p.Pro103=; no amino-acid change (proline 103 retained).
Molecular consequence: synonymous variant.
Genome position (GRCh38, 1-based): chr15:42,736,562, C>A on the plus strand (G>T on the coding strand, the complement: CDAN1 is on the minus strand). VCF-style: chr15-42736562-C-A. GRCh37 (hg19) VCF-style: chr15-43028760-C-A.
Other names: p.Pro103=.
Identifiers: ClinVar variation 784319 (VCV000784319.44), dbSNP rs575562332, ClinGen allele CA7516425.